The following is an entry in ClinVar:

ClinVar aggregate classification (germline): Likely benign (1 of 4 stars; one submission).

Conditions:
CENPF-related disorder. Also called: CENPF-related condition.

gnomAD v4.1: 16 of 1,613,826 alleles (0.00099%); highest among the groups gnomAD compares: African/African-American, 0.0053%; no homozygotes.

Submission:

PreventionGenetics, part of Exact Sciences
Classification: Likely benign for CENPF-related condition. Last evaluated: 2026-04-01. Review status: criteria provided, single submitter. Criteria: ACMG Guidelines, 2015. Collection method: clinical testing. Allele origin: germline.
Comment: This variant is classified as likely benign based on ACMG/AMP sequence variant interpretation guidelines (Richards et al. 2015 PMID: 25741868, with internal and published modifications).

NM_016343.4(CENPF):c.2052C>T (p.Asn684=)

Gene: CENPF (centromere protein F; plus strand). Cytogenetic location: 1q41.
Variant type: single nucleotide variant.
Coding change: c.2052C>T on transcript NM_016343.4 (MANE Select); coding-DNA position 2052, C replaced by T.
Protein change: p.Asn684=; no amino-acid change (asparagine 684 retained).
Molecular consequence: synonymous variant.
Genome position (GRCh38, 1-based): chr1:214,640,390, C>T. VCF-style: chr1-214640390-C-T. GRCh37 (hg19) VCF-style: chr1-214813733-C-T.
Identifiers: ClinVar variation 4979167 (VCV004979167.1).